The following is an entry in ClinVar:

ClinVar aggregate classification (germline): Uncertain significance (1 of 4 stars; one submission).

Conditions:
FSCN2-related disorder. Also called: FSCN2-related condition.

Submission:

PreventionGenetics, part of Exact Sciences
Classification: Uncertain significance for FSCN2-related condition. Last evaluated: 2026-03-02. Review status: criteria provided, single submitter. Criteria: ACMG Guidelines, 2015. Collection method: clinical testing. Allele origin: germline.
Comment: The FSCN2 c.1123G>C variant is predicted to result in the amino acid substitution p.Ala375Pro. To our knowledge, this variant has not been reported in the literature or in a large population database (gnomAD), indicating this variant is rare. At this time, the clinical significance of this variant is uncertain due to the absence of conclusive functional and genetic evidence.

NM_012418.4(FSCN2):c.1106-55G>C

Gene: FSCN2 (fascin actin-bundling protein 2, retinal; plus strand). Cytogenetic location: 17q25.3.
Variant type: single nucleotide variant.
Coding change: c.1106-55G>C on transcript NM_012418.4 (MANE Select); 55 bases into the intron before coding-DNA position 1106, G replaced by C.
Molecular consequence: intron variant. On other transcripts: missense variant (1).
Genome position (GRCh38, 1-based): chr17:81,536,567, G>C. VCF-style: chr17-81536567-G-C. GRCh37 (hg19) VCF-style: chr17-79503593-G-C.
Other names: c.1123G>C, p.Ala375Pro (NM_001077182.3); short protein forms A375P.
Identifiers: ClinVar variation 4991648 (VCV004991648.1).